The following is an entry in ClinVar:

NM_002470.4(MYH3):c.161G>A (p.Ser54Asn)

Gene: MYH3 (myosin heavy chain 3; minus strand). Cytogenetic location: 17p13.1.
Variant type: single nucleotide variant.
Coding change: c.161G>A on transcript NM_002470.4 (MANE Select); coding-DNA position 161, G replaced by A.
Protein change: p.Ser54Asn; replaces serine 54 with asparagine.
Molecular consequence: missense variant.
Genome position (GRCh38, 1-based): chr17:10,654,904, C>T on the plus strand (G>A on the coding strand, the complement: MYH3 is on the minus strand). VCF-style: chr17-10654904-C-T. GRCh37 (hg19) VCF-style: chr17-10558221-C-T.
Other names: short protein forms S54N.
Identifiers: ClinVar variation 3349582 (VCV003349582.1).

ClinVar aggregate classification (germline): Uncertain significance (0 of 4 stars; one submission).

Conditions:
MYH3-related disorder. Also called: MYH3-related condition; MYH3-Related Disorders. Identifiers: MedGen CN239329.

Submission:

PreventionGenetics, part of Exact Sciences
Classification: Uncertain significance for MYH3-related condition. Last evaluated: 2024-03-08. Review status: no assertion criteria provided. Collection method: clinical testing. Allele origin: germline.
Comment: The MYH3 c.161G>A variant is predicted to result in the amino acid substitution p.Ser54Asn. To our knowledge, this variant has not been reported in the literature or in a large population database, indicating this variant is rare. At this time, the clinical significance of this variant is uncertain due to the absence of conclusive functional and genetic evidence.